The following is an entry in ClinVar:

NM_000962.4(PTGS1):c.709C>A (p.Leu237Met)

Gene: PTGS1 (prostaglandin-endoperoxide synthase 1; plus strand). Cytogenetic location: 9q33.2.
Variant type: single nucleotide variant.
Coding change: c.709C>A on transcript NM_000962.4 (MANE Select); coding-DNA position 709, C replaced by A.
Protein change: p.Leu237Met; replaces leucine 237 with methionine.
Molecular consequence: missense variant.
Genome position (GRCh38, 1-based): chr9:122,381,694, C>A. VCF-style: chr9-122381694-C-A. GRCh37 (hg19) VCF-style: chr9-125143973-C-A.
Other names: p.Leu237Met; c.565C>A, p.Leu189Met (NM_001271164.2); c.382C>A, p.Leu128Met (NM_001271165.2, NM_001271166.2, NM_001271367.2); c.634C>A, p.Leu212Met (NM_001271368.2); c.709C>A, p.Leu237Met (NM_080591.3); short protein forms L128M, L189M, L212M, L237M.
Identifiers: ClinVar variation 4683426 (VCV004683426.1).
Genomic context (GRCh38, chr9:122,381,694, plus strand): 5'-TGACCTGAGGGAACCCCTCTCTGTCCACAGGTAGACCTCGGCCACATTTATGGAGACAAT[C>A]TGGAGCGTCAGTATCAACTGCGGCTCTTTAAGGATGGGAAACTCAAGTACCAGGTAGTGC-3'
Protein context (NP_000953.2, residues 227-247): VDLGHIYGDN[Leu237Met]ERQYQLRLFK

ClinVar aggregate classification (germline): Benign (1 of 4 stars; one submission).

gnomAD v4.1: 37,266 of 1,614,078 alleles (2.3%); highest among the groups gnomAD compares: Non-Finnish European, 2.7%; 591 homozygotes.

Submission:

Mayo Clinic Laboratories, Mayo Clinic
Classification: Benign. Last evaluated: 2023-11-03. Review status: criteria provided, single submitter. Criteria: ACMG Guidelines, 2015. Collection method: clinical testing. Allele origin: germline. Observed: 30 variant alleles.
Comment: BS1, BS2, PM1_supporting

Literature cited by the submitters: PubMed 17301694; PubMed 21097517; PubMed 22513397.